The following is an entry in ClinVar:

NM_000321.3(RB1):c.1196dup (p.Asn399fs)

Gene: RB1 (RB transcriptional corepressor 1; plus strand). Cytogenetic location: 13q14.2.
Variant type: Duplication.
Coding change: c.1196dup on transcript NM_000321.3 (MANE Select); coding-DNA position 1196, one base duplicated (A; older notation c.1196dupA).
Protein change: p.Asn399fs; shifts the reading frame from asparagine 399.
Molecular consequence: frameshift variant.
Genome position (GRCh38, 1-based): chr13:48,373,473, A duplicated; the last of 4 consecutive A bases (chr13:48,373,470-48,373,473); duplicating any one gives the same sequence. VCF-style (leftmost placement, unchanged base first): chr13-48373469-G-GA. GRCh37 (hg19) VCF-style: chr13-48947605-G-GA.
Other names: c.1196dup, p.Asn399fs (NM_001407165.1, NM_001407166.1); short protein forms N399fs.
Identifiers: ClinVar variation 4852600 (VCV004852600.2).

ClinVar aggregate classification (germline): Pathogenic (1 of 4 stars; one submission).

Submission:

Dasa
Classification: Pathogenic. Last evaluated: 2026-03-17. Review status: criteria provided, single submitter. Criteria: DASA Assertion Criteria. Collection method: clinical testing. Allele origin: germline.
Comment: NM_000321.3(RB1):c.1196dup (p.Asn399Lysfs*7) is a frameshift variant in RB1 predicted to alter the reading frame and introduce a premature termination codon and is predicted to result in an absent or altered protein product. Loss of function is an established disease mechanism for RB1 (PMID: 2601691; PMID: 8651278; PMID: 28575107). Also, this variant is rare in population databases. Based on the currently available evidence, this variant is classified as pathogenic.

Literature cited by the submitters: PubMed 2601691; PubMed 8651278; PubMed 28575107.